The following is an entry in ClinVar:

NM_001297.5(CNGB1):c.2095G>A (p.Asp699Asn)

Gene: CNGB1 (cyclic nucleotide gated channel subunit beta 1; minus strand). Cytogenetic location: 16q21.
Variant type: single nucleotide variant.
Coding change: c.2095G>A on transcript NM_001297.5 (MANE Select); coding-DNA position 2095, G replaced by A.
Protein change: p.Asp699Asn; replaces aspartic acid 699 with asparagine.
Molecular consequence: missense variant.
Genome position (GRCh38, 1-based): chr16:57,917,339, C>T on the plus strand (G>A on the coding strand, the complement: CNGB1 is on the minus strand). VCF-style: chr16-57917339-C-T. GRCh37 (hg19) VCF-style: chr16-57951243-C-T.
Other names: c.2077G>A, p.Asp693Asn (NM_001286130.2); short protein forms D693N, D699N.
Identifiers: ClinVar variation 1213980 (VCV001213980.8), dbSNP rs746268207, ClinGen allele CA8083179.

ClinVar aggregate classification (germline): Conflicting classifications of pathogenicity. Review status: criteria provided, conflicting classifications (1 of 4 stars). 3 submissions from 3 submitters: Likely pathogenic (1); Uncertain significance (2). Last evaluated 2022-07-19.

Conditions:
CNGB1-related disorder. Also called: CNGB1-related condition.
Retinitis pigmentosa 45 (RP45). Identifiers: Orphanet 791, MedGen C3151066, MONDO:0013413, OMIM 613767.

Allele frequency attached by ClinVar (database versions not stated): gnomAD exomes below 0.00001; ExAC 0.00001.
gnomAD v4.1: 4 of 1,614,030 alleles (0.00025%); highest among the groups gnomAD compares: South Asian, 0.0011%; no homozygotes.

Submissions (3):

Labcorp Genetics (formerly Invitae), Labcorp
Classification: Uncertain significance. Last evaluated: 2022-07-19. Review status: criteria provided, single submitter. Criteria: Invitae Variant Classification Sherloc (09022015). Collection method: clinical testing. Allele origin: germline.
Comment: This sequence change replaces aspartic acid, which is acidic and polar, with asparagine, which is neutral and polar, at codon 699 of the CNGB1 protein (p.Asp699Asn). This variant is present in population databases (rs746268207, gnomAD 0.003%). This variant has not been reported in the literature in individuals affected with CNGB1-related conditions. ClinVar contains an entry for this variant (Variation ID: 1213980). Algorithms developed to predict the effect of missense changes on protein structure and function are either unavailable or do not agree on the potential impact of this missense change (SIFT: "Deleterious"; PolyPhen-2: "Probably Damaging"; Align-GVGD: "Class C0"). In summary, the available evidence is currently insufficient to determine the role of this variant in disease. Therefore, it has been classified as a Variant of Uncertain Significance.

Blueprint Genetics
Classification: Likely pathogenic for CNGB1-related disorders. Last evaluated: 2021-10-13. Review status: criteria provided, single submitter. Criteria: ACMG Guidelines, 2015. Collection method: clinical testing. Allele origin: germline. Affected: yes. Observed: 3 variant alleles.

DBGen Ocular Genomics
Classification: Uncertain significance for Retinitis pigmentosa 45. Last evaluated: 2021-06-04. Review status: criteria provided, single submitter. Criteria: ACMG Guidelines, 2015. Collection method: clinical testing. Allele origin: germline. Affected: yes. Observed: 1 variant allele.